The following is an entry in ClinVar:

NM_000400.4(ERCC2):c.2011A>C (p.Lys671Gln)

Gene: ERCC2 (ERCC excision repair 2, TFIIH core complex helicase subunit; minus strand). Cytogenetic location: 19q13.32.
Variant type: single nucleotide variant.
Coding change: c.2011A>C on transcript NM_000400.4 (MANE Select); coding-DNA position 2011, A replaced by C.
Protein change: p.Lys671Gln; replaces lysine 671 with glutamine.
Molecular consequence: missense variant.
Genome position (GRCh38, 1-based): chr19:45,352,541, T>G on the plus strand (A>C on the coding strand, the complement: ERCC2 is on the minus strand). VCF-style: chr19-45352541-T-G. GRCh37 (hg19) VCF-style: chr19-45855799-T-G.
Other names: short protein forms K671Q.
Identifiers: ClinVar variation 1784423 (VCV001784423.2), dbSNP rs2513999203, ClinGen allele CA406362943.
Genomic context (GRCh38, chr19:45,352,541, plus strand): 5'-CACAGGGGCACCCCTGAAGCTGCACCTTGTCGGCAAAGACCATGAGGCCGTAGTCCGTCT[T>G]GCCCCTGATGGCCCGACCCACACACTGGGCCGCGTGGCGCATGGCATCGAAGGTAAGAAA-3'
Protein context (NP_000391.1, residues 661-681): AQCVGRAIRG[Lys671Gln]TDYGLMVFAD

ClinVar aggregate classification (germline): Uncertain significance (1 of 4 stars; one submission).

Conditions:
Inborn genetic diseases. Identifiers: MedGen C0950123, MeSH D030342.

Submission:

Ambry Genetics
Classification: Uncertain significance for Inborn genetic diseases. Last evaluated: 2021-06-15. Review status: criteria provided, single submitter. Criteria: Ambry Variant Classification Scheme 2023. Collection method: clinical testing. Allele origin: germline.
Comment: The p.K671Q variant (also known as c.2011A>C), located in coding exon 21 of the ERCC2 gene, results from an A to C substitution at nucleotide position 2011. The lysine at codon 671 is replaced by glutamine, an amino acid with similar properties. This amino acid position is conserved. In addition, this alteration is predicted to be deleterious by in silico analysis. Since supporting evidence is limited at this time, the clinical significance of this alteration remains unclear.